The following is an entry in ClinVar:

ClinVar aggregate classification (germline): Uncertain significance (1 of 4 stars; one submission).

Conditions:
Hepatic veno-occlusive disease-immunodeficiency syndrome. Also called: Hepatic Veno-Occlusive Disease with Immunodeficiency. Identifiers: Orphanet 79124, MedGen C1856128, MONDO:0009338, OMIM 235550. Disease mechanism: loss of function.

gnomAD v4.1: 35 of 1,613,738 alleles (0.0022%); highest among the groups gnomAD compares: South Asian, 0.036%; no homozygotes.

Submission:

Labcorp Genetics (formerly Invitae), Labcorp
Classification: Uncertain significance for Hepatic veno-occlusive disease-immunodeficiency syndrome. Last evaluated: 2022-12-06. Review status: criteria provided, single submitter. Criteria: Invitae Variant Classification Sherloc (09022015). Collection method: clinical testing. Allele origin: germline.
Comment: This sequence change replaces serine, which is neutral and polar, with cysteine, which is neutral and slightly polar, at codon 62 of the SP110 protein (p.Ser62Cys). This variant is present in population databases (rs202029779, gnomAD 0.03%). This variant has not been reported in the literature in individuals affected with SP110-related conditions. ClinVar contains an entry for this variant (Variation ID: 1382827). Algorithms developed to predict the effect of missense changes on protein structure and function output the following: SIFT: "Tolerated"; PolyPhen-2: "Benign"; Align-GVGD: "Class C0". The cysteine amino acid residue is found in multiple mammalian species, which suggests that this missense change does not adversely affect protein function. In summary, the available evidence is currently insufficient to determine the role of this variant in disease. Therefore, it has been classified as a Variant of Uncertain Significance.

NM_080424.4(SP110):c.185C>G (p.Ser62Cys)

Genes: SP140 (SP140 nuclear body protein; plus strand), SP110 (SP110 nuclear body protein; minus strand). Cytogenetic location: 2q37.1.
Variant type: single nucleotide variant.
Coding change: c.185C>G on transcript NM_080424.4 (MANE Select); coding-DNA position 185, C replaced by G.
Protein change: p.Ser62Cys; replaces serine 62 with cysteine.
Molecular consequence: missense variant.
Genome position (GRCh38, 1-based): chr2:230,215,081, G>C on the plus strand (C>G on the coding strand, the complement: SP110 is on the minus strand). VCF-style: chr2-230215081-G-C. GRCh37 (hg19) VCF-style: chr2-231079796-G-C.
Other names: c.203C>G, p.Ser68Cys (NM_001185015.2, NM_001378442.1, NM_001378444.1 and 2 more transcripts); c.185C>G, p.Ser62Cys (NM_001378443.1, NM_001378447.1, NM_004509.5 and 1 more transcripts); short protein forms S62C, S68C.
Identifiers: ClinVar variation 1382827 (VCV001382827.8), dbSNP rs202029779, ClinGen allele CA2154886.
Genomic context (GRCh38, chr2:230,215,081, plus strand): 5'-ACCAGAAGAGACAGGTTAAAAGTCCTCTCCAGTTGGGTGAGAATGTTGTGCACCACTCTG[G>C]ATACAGGGATCAAATTTCTACAGGCTTCCAGAGATTCCTATAAAAATGGAGTGAAGGTTT-3'
Protein context (NP_536349.3, residues 52-72): LEACRNLIPV[Ser62Cys]RVVHNILTQL